The following is an entry in ClinVar:

NM_016123.4(IRAK4):c.427C>A (p.Gln143Lys)

Gene: IRAK4 (interleukin 1 receptor associated kinase 4; plus strand). Cytogenetic location: 12q12.
Variant type: single nucleotide variant.
Coding change: c.427C>A on transcript NM_016123.4 (MANE Select); coding-DNA position 427, C replaced by A.
Protein change: p.Gln143Lys; replaces glutamine 143 with lysine.
Molecular consequence: missense variant. On other transcripts: 5 prime UTR variant (2).
Genome position (GRCh38, 1-based): chr12:43,772,299, C>A. VCF-style: chr12-43772299-C-A. GRCh37 (hg19) VCF-style: chr12-44166102-C-A.
Other names: c.427C>A, p.Gln143Lys (NM_001114182.3, NM_001351345.2); c.55C>A, p.Gln19Lys (NM_001145256.2, NM_001145257.2, NM_001145258.2 and 5 more transcripts); c.-97C>A (NM_001351343.2, NM_001351344.2); short protein forms Q143K, Q19K.
Identifiers: ClinVar variation 1485932 (VCV001485932.4), dbSNP rs773476797, ClinGen allele CA6522360.

ClinVar aggregate classification (germline): Uncertain significance (1 of 4 stars; one submission).

Conditions:
Immunodeficiency 67. Also called: Immunodeficiency due to interleukin-1 receptor-associated kinase-4 deficiency. Identifiers: Orphanet 70592, MedGen C1843256, MONDO:0011888, OMIM 607676.

Allele frequency attached by ClinVar (database versions not stated): gnomAD exomes below 0.00001; ExAC 0.00001; gnomAD 0.00004; TOPMed 0.00005.
gnomAD v4.1: 10 of 1,613,684 alleles (0.00062%); highest among the groups gnomAD compares: African/African-American, 0.011%; no homozygotes.

Submission:

Labcorp Genetics (formerly Invitae), Labcorp
Classification: Uncertain significance for Immunodeficiency 67. Last evaluated: 2021-11-01. Review status: criteria provided, single submitter. Criteria: Invitae Variant Classification Sherloc (09022015). Collection method: clinical testing. Allele origin: germline.
Comment: In summary, the available evidence is currently insufficient to determine the role of this variant in disease. Therefore, it has been classified as a Variant of Uncertain Significance. Advanced modeling of protein sequence and biophysical properties (such as structural, functional, and spatial information, amino acid conservation, physicochemical variation, residue mobility, and thermodynamic stability) performed at Invitae indicates that this missense variant is not expected to disrupt IRAK4 protein function. This variant has not been reported in the literature in individuals affected with IRAK4-related conditions. This variant is present in population databases (rs773476797, gnomAD 0.008%). This sequence change replaces glutamine, which is neutral and polar, with lysine, which is basic and polar, at codon 143 of the IRAK4 protein (p.Gln143Lys).